The following is an entry in ClinVar:

NM_001005373.4(LRSAM1):c.1067T>C (p.Leu356Ser)

Gene: LRSAM1 (leucine rich repeat and sterile alpha motif containing 1; plus strand). Cytogenetic location: 9q33.3.
Variant type: single nucleotide variant.
Coding change: c.1067T>C on transcript NM_001005373.4 (MANE Select); coding-DNA position 1067, T replaced by C.
Protein change: p.Leu356Ser; replaces leucine 356 with serine.
Molecular consequence: missense variant. On other transcripts: non-coding transcript variant (2).
Genome position (GRCh38, 1-based): chr9:127,481,206, T>C. VCF-style: chr9-127481206-T-C. GRCh37 (hg19) VCF-style: chr9-130243485-T-C.
Other names: c.1067T>C (NM_138361.4); c.1067T>C, p.Leu356Ser (NM_001005374.4, NM_001190723.3, NM_001384142.1 and 2 more transcripts); c.278T>C, p.Leu93Ser (NM_001384144.1); short protein forms L356S, L93S.
Identifiers: ClinVar variation 540005 (VCV000540005.11), dbSNP rs142958539, ClinGen allele CA5246821.
Genomic context (GRCh38, chr9:127,481,206, plus strand): 5'-TGGTGACTGCCAGGACCTTTTATGATTTTCTCCACAGACAAAAGAAAAGCTCCGAGATTT[T>C]GAAATCGCTGGAAAATGAAAGGTAAGTGTTCTTCCAGGGGAGGGCAGCATTTTTTTTTTT-3'
Protein context (NP_001005373.1, residues 346-366): NQRQKKSSEI[Leu356Ser]KSLENERIRM

ClinVar aggregate classification (germline): Uncertain significance. Review status: criteria provided, multiple submitters, no conflicts (2 of 4 stars). 2 submissions from 2 submitters: Uncertain significance (2). Last evaluated 2025-12-09.

Conditions:
Inborn genetic diseases. Identifiers: MedGen C0950123, MeSH D030342.
Charcot-Marie-Tooth disease axonal type 2P. Also called: CHARCOT-MARIE-TOOTH DISEASE, AXONAL, TYPE 2G; CMT 2G; Charcot-Marie-Tooth Neuropathy Type 2G; CHARCOT-MARIE-TOOTH NEUROPATHY, TYPE 2P. Identifiers: Orphanet 300319, Orphanet 99941, MedGen C3280797, MONDO:0013753, OMIM 614436.

Allele frequency attached by ClinVar (database versions not stated): gnomAD exomes 0.00001 and 0.00003; ExAC 0.00002; TOPMed 0.00005; gnomAD 0.00006; ESP Exome Variant Server 0.00008.
gnomAD v4.1: 60 of 1,613,572 alleles (0.0037%); highest among the groups gnomAD compares: Non-Finnish European, 0.0047%; no homozygotes.

Submissions (2):

Ambry Genetics
Classification: Uncertain significance for Inborn genetic diseases. Last evaluated: 2025-12-09. Review status: criteria provided, single submitter. Criteria: Ambry Variant Classification Scheme 2023. Collection method: clinical testing. Allele origin: germline.

Labcorp Genetics (formerly Invitae), Labcorp
Classification: Uncertain significance for Charcot-Marie-Tooth disease axonal type 2P. Last evaluated: 2025-12-03. Review status: criteria provided, single submitter. Criteria: Invitae Variant Classification Sherloc (09022015). Collection method: clinical testing. Allele origin: germline.
Comment: This sequence change replaces leucine, which is neutral and non-polar, with serine, which is neutral and polar, at codon 356 of the LRSAM1 protein (p.Leu356Ser). This variant is present in population databases (rs142958539, gnomAD 0.004%). This variant has not been reported in the literature in individuals affected with LRSAM1-related conditions. ClinVar contains an entry for this variant (Variation ID: 540005). Invitae Evidence Modeling of protein sequence and biophysical properties (such as structural, functional, and spatial information, amino acid conservation, physicochemical variation, residue mobility, and thermodynamic stability) indicates that this missense variant is not expected to disrupt LRSAM1 protein function with a negative predictive value of 80%. In summary, the available evidence is currently insufficient to determine the role of this variant in disease. Therefore, it has been classified as a Variant of Uncertain Significance.